The following is an entry in ClinVar:

ClinVar aggregate classification (germline): Conflicting classifications of pathogenicity. Review status: criteria provided, conflicting classifications (1 of 4 stars). 2 submissions from 2 submitters: Uncertain significance (1); Likely benign (1). Last evaluated 2024-01-05.

Submissions (2):

GeneDx
Classification: Likely benign. Last evaluated: 2024-01-05. Review status: criteria provided, single submitter. Criteria: GeneDx Variant Classification Process June 2021. Collection method: clinical testing. Allele origin: germline. Affected: yes.
Comment: Not observed at significant frequency in large population cohorts (gnomAD); In silico analysis supports that this missense variant does not alter protein structure/function; Has not been previously published as pathogenic or benign to our knowledge

Labcorp Genetics (formerly Invitae), Labcorp
Classification: Uncertain significance. Last evaluated: 2023-05-20. Review status: criteria provided, single submitter. Criteria: Invitae Variant Classification Sherloc (09022015). Collection method: clinical testing. Allele origin: germline.
Comment: In summary, the available evidence is currently insufficient to determine the role of this variant in disease. Therefore, it has been classified as a Variant of Uncertain Significance. Advanced modeling of protein sequence and biophysical properties (such as structural, functional, and spatial information, amino acid conservation, physicochemical variation, residue mobility, and thermodynamic stability) performed at Invitae indicates that this missense variant is not expected to disrupt MAGEL2 protein function. This variant has not been reported in the literature in individuals affected with MAGEL2-related conditions. This variant is not present in population databases (gnomAD no frequency). This sequence change replaces glutamine, which is neutral and polar, with histidine, which is basic and polar, at codon 909 of the MAGEL2 protein (p.Gln909His).

NM_019066.5(MAGEL2):c.2727G>C (p.Gln909His)

Gene: MAGEL2 (MAGE family member L2; minus strand). Cytogenetic location: 15q11.2.
Variant type: single nucleotide variant.
Coding change: c.2727G>C on transcript NM_019066.5 (MANE Select); coding-DNA position 2727, G replaced by C.
Protein change: p.Gln909His; replaces glutamine 909 with histidine.
Molecular consequence: missense variant.
Genome position (GRCh38, 1-based): chr15:23,645,016, C>G on the plus strand (G>C on the coding strand, the complement: MAGEL2 is on the minus strand). VCF-style: chr15-23645016-C-G. GRCh37 (hg19) VCF-style: chr15-23890163-C-G.
Other names: c.2727G>C (NM_019066.4); short protein forms Q909H.
Identifiers: ClinVar variation 2850022 (VCV002850022.4), dbSNP rs2503976271, ClinGen allele CA391330339.